The following is an entry in ClinVar:

NM_001252024.2(TRPM1):c.4580T>G (p.Met1527Arg)

Gene: TRPM1 (transient receptor potential cation channel subfamily M member 1; minus strand). Cytogenetic location: 15q13.3.
Variant type: single nucleotide variant.
Coding change: c.4580T>G on transcript NM_001252024.2 (MANE Select); coding-DNA position 4580, T replaced by G.
Protein change: p.Met1527Arg; replaces methionine 1527 with arginine.
Molecular consequence: missense variant.
Genome position (GRCh38, 1-based): chr15:31,002,120, A>C on the plus strand (T>G on the coding strand, the complement: TRPM1 is on the minus strand). VCF-style: chr15-31002120-A-C. GRCh37 (hg19) VCF-style: chr15-31294323-A-C.
Other names: c.4631T>G, p.Met1544Arg (NM_001252020.2); c.4514T>G, p.Met1505Arg (NM_002420.6); short protein forms M1505R, M1527R, M1544R.
Identifiers: ClinVar variation 1721145 (VCV001721145.5), dbSNP rs1595967340, ClinGen allele CA391522570.

ClinVar aggregate classification (germline): Uncertain significance (1 of 4 stars; one submission).

Submission:

Labcorp Genetics (formerly Invitae), Labcorp
Classification: Uncertain significance. Last evaluated: 2022-10-07. Review status: criteria provided, single submitter. Criteria: Invitae Variant Classification Sherloc (09022015). Collection method: clinical testing. Allele origin: germline.
Comment: This sequence change replaces methionine, which is neutral and non-polar, with arginine, which is basic and polar, at codon 1505 of the TRPM1 protein (p.Met1505Arg). This variant is not present in population databases (gnomAD no frequency). This variant has not been reported in the literature in individuals affected with TRPM1-related conditions. Algorithms developed to predict the effect of missense changes on protein structure and function (SIFT, PolyPhen-2, Align-GVGD) all suggest that this variant is likely to be tolerated. In summary, the available evidence is currently insufficient to determine the role of this variant in disease. Therefore, it has been classified as a Variant of Uncertain Significance.